The following is an entry in ClinVar:

NM_000503.6(EYA1):c.1699-3C>T

Gene: EYA1 (EYA transcriptional coactivator and phosphatase 1; minus strand). Cytogenetic location: 8q13.3.
Variant type: single nucleotide variant.
Coding change: c.1699-3C>T on transcript NM_000503.6 (MANE Select); 3 bases into the intron before coding-DNA position 1699, C replaced by T.
Molecular consequence: intron variant.
Genome position (GRCh38, 1-based): chr8:71,199,423, G>A on the plus strand (C>T on the coding strand, the complement: EYA1 is on the minus strand). VCF-style: chr8-71199423-G-A. GRCh37 (hg19) VCF-style: chr8-72111658-G-A.
Other names: c.1678-3C>T (NM_001370336.1); c.1786-3C>T (NM_001370333.1); c.1699-3C>T (NM_001370335.1, NM_001370334.1, NM_172058.4); c.1681-3C>T (NM_172059.5, NM_001288574.2); c.1333-3C>T (NM_001288575.2).
Identifiers: ClinVar variation 48105 (VCV000048105.25), dbSNP rs117149407, ClinGen allele CA142602.

ClinVar aggregate classification (germline): Benign/Likely benign. Review status: criteria provided, multiple submitters, no conflicts (2 of 4 stars). 11 submissions from 10 submitters: Benign (7); Likely benign (1). 3 of the submissions do not count toward it. Last evaluated 2026-02-01.

Conditions:
Melnick-Fraser syndrome (BOR). Also called: Branchiootorenal Syndrome (BORS); Branchiootorenal syndrome; Branchio-oto-renal syndrome. Identifiers: Orphanet 107, MedGen C0265234, MONDO:0007029.
Branchiootic syndrome 1 (BOS1). Also called: BO SYNDROME 1; BRANCHIOOTIC DYSPLASIA. Identifiers: MedGen C1865143, MONDO:0011258, OMIM 602588.
Otofaciocervical syndrome 1 (OTFCS). Identifiers: MedGen C3714941, MONDO:0024532, OMIM 166780.

Allele frequency attached by ClinVar (database versions not stated): gnomAD exomes 0.01512 and 0.01635; 1000 Genomes Project 0.00779; gnomAD 0.01158 and 0.01175; 1000 Genomes Project 30x 0.00843; ESP Exome Variant Server 0.01207; TOPMed 0.01324; ExAC 0.01546.
gnomAD v4.1: 25,590 of 1,609,482 alleles (1.6%); highest among the groups gnomAD compares: Admixed American, 2.8%; 269 homozygotes.

Submissions (20):

Labcorp Genetics (formerly Invitae), Labcorp
Classification: Benign for Melnick-Fraser syndrome. Last evaluated: 2026-02-01. Review status: criteria provided, single submitter. Criteria: Invitae Variant Classification Sherloc (09022015). Collection method: clinical testing. Allele origin: germline.

Blueprint Genetics
Classification: Likely benign. Last evaluated: 2024-11-27. Review status: criteria provided, single submitter. Criteria: ACMG Guidelines, 2015. Collection method: clinical testing. Allele origin: germline.

Athena Diagnostics
Classification: Benign. Last evaluated: 2019-02-18. Review status: criteria provided, single submitter. Criteria: Athena Diagnostics Criteria. Collection method: clinical testing. Allele origin: germline.

Illumina Laboratory Services, Illumina
Classification: Benign for Branchiootic syndrome. Last evaluated: 2018-01-12. Review status: criteria provided, single submitter. Criteria: ICSL Variant Classification Criteria 13 December 2019. Collection method: clinical testing. Allele origin: germline.
Comment: This variant was observed in the ICSL laboratory as part of a predisposition screen in an ostensibly healthy population. It had not been previously curated by ICSL or reported in the Human Gene Mutation Database (HGMD: prior to June 1st, 2018), and was therefore a candidate for classification through an automated scoring system. Utilizing variant allele frequency, disease prevalence and penetrance estimates, and inheritance mode, an automated score was calculated to assess if this variant is too frequent to cause the disease. Based on the score and internal cut-off values, a variant classified as benign is not then subjected to further curation. The score for this variant resulted in a classification of benign for this disease.

Illumina Laboratory Services, Illumina
Classification: Benign for Otofaciocervical syndrome 1. Last evaluated: 2018-01-12. Review status: criteria provided, single submitter. Criteria: ICSL Variant Classification Criteria 13 December 2019. Collection method: clinical testing. Allele origin: germline.
Comment: the same text as in the submission from Illumina Laboratory Services, Illumina above.

GeneDx
Classification: Benign. Last evaluated: 2015-03-03. Review status: criteria provided, single submitter. Criteria: GeneDx Variant Classification Process June 2021. Collection method: clinical testing. Allele origin: germline. Affected: yes.

Laboratory for Molecular Medicine, Mass General Brigham Personalized Medicine
Classification: Benign. Last evaluated: 2012-05-14. Review status: criteria provided, single submitter. Criteria: LMM Criteria. Collection method: clinical testing. Allele origin: germline. Observed: 44 variant alleles.
Comment: 1699-3C>T in Intron 16 of EYA1: This variant is not expected to have clinical si gnificance because it has been identified in 1.6% (114/7020) of European America n chromosomes from a broad population by the NHLBI Exome Sequencing Project (dbSNP rs117149407).

Breakthrough Genomics
Classification: Benign. Review status: criteria provided, single submitter. Criteria: ACMG Guidelines, 2015. Collection method: not provided. Allele origin: germline. Inheritance: Autosomal dominant inheritance. Affected: yes.

Clinical Genetics DNA and cytogenetics Diagnostics Lab, Erasmus MC, Erasmus Medical Center
Classification: Benign. Review status: no assertion criteria provided. Collection method: clinical testing. Allele origin: germline. Affected: yes. Study: VKGL Data-share Consensus. Not counted in ClinVar's aggregate classification.

Dr. Peter K. Rogan Lab, Western University
No classification provided (evidence only). Condition: Clear cell carcinoma of kidney. Review status: no classification provided. Collection method: in vitro. Allele origin: not applicable. Functional consequence: retained intron. Not counted in ClinVar's aggregate classification.

Dr. Peter K. Rogan Lab, Western University
No classification provided (evidence only). Condition: Acute myeloid leukemia. Review status: no classification provided. Collection method: in vitro. Allele origin: not applicable. Functional consequence: retained intron. Not counted in ClinVar's aggregate classification.

Dr. Peter K. Rogan Lab, Western University
No classification provided (evidence only). Condition: Sarcoma. Review status: no classification provided. Collection method: in vitro. Allele origin: not applicable. Functional consequence: retained intron. Not counted in ClinVar's aggregate classification.

Dr. Peter K. Rogan Lab, Western University
No classification provided (evidence only). Condition: Thymoma. Review status: no classification provided. Collection method: in vitro. Allele origin: not applicable. Functional consequence: retained intron. Not counted in ClinVar's aggregate classification.

Dr. Peter K. Rogan Lab, Western University
No classification provided (evidence only). Condition: Ovarian serous cystadenocarcinoma. Review status: no classification provided. Collection method: in vitro. Allele origin: not applicable. Functional consequence: retained intron. Not counted in ClinVar's aggregate classification.

Dr. Peter K. Rogan Lab, Western University
No classification provided (evidence only). Condition: Uterine carcinosarcoma. Review status: no classification provided. Collection method: in vitro. Allele origin: not applicable. Functional consequence: retained intron. Not counted in ClinVar's aggregate classification.

Dr. Peter K. Rogan Lab, Western University
No classification provided (evidence only). Condition: Malignant tumor of esophagus. Review status: no classification provided. Collection method: in vitro. Allele origin: not applicable. Functional consequence: retained intron. Not counted in ClinVar's aggregate classification.

Dr. Peter K. Rogan Lab, Western University
No classification provided (evidence only). Condition: Familial pancreatic carcinoma. Review status: no classification provided. Collection method: in vitro. Allele origin: not applicable. Functional consequence: retained intron. Not counted in ClinVar's aggregate classification.

Dr. Peter K. Rogan Lab, Western University
No classification provided (evidence only). Condition: Ovarian cancer. Review status: no classification provided. Collection method: in vitro. Allele origin: not applicable. Functional consequence: retained intron. Not counted in ClinVar's aggregate classification.

Genome Diagnostics Laboratory, University Medical Center Utrecht
Classification: Benign. Review status: no assertion criteria provided. Collection method: clinical testing. Allele origin: germline. Affected: yes. Study: VKGL Data-share Consensus. Not counted in ClinVar's aggregate classification.

Joint Genome Diagnostic Labs from Nijmegen and Maastricht, Radboudumc and MUMC+
Classification: Benign. Review status: no assertion criteria provided. Collection method: clinical testing. Allele origin: germline. Affected: yes. Study: VKGL Data-share Consensus. Not counted in ClinVar's aggregate classification.